The following is an entry in ClinVar:

NM_004329.3(BMPR1A):c.1044A>T (p.Glu348Asp)

Gene: BMPR1A (bone morphogenetic protein receptor type 1A; plus strand). Cytogenetic location: 10q23.2.
Variant type: single nucleotide variant.
Coding change: c.1044A>T on transcript NM_004329.3 (MANE Select); coding-DNA position 1044, A replaced by T.
Protein change: p.Glu348Asp; replaces glutamic acid 348 with aspartic acid.
Molecular consequence: missense variant.
Genome position (GRCh38, 1-based): chr10:86,919,347, A>T. VCF-style: chr10-86919347-A-T. GRCh37 (hg19) VCF-style: chr10-88679104-A-T.
Other names: short protein forms E348D.
Identifiers: ClinVar variation 460471 (VCV000460471.15), dbSNP rs781082609, ClinGen allele CA5585644.

ClinVar aggregate classification (germline): Uncertain significance. Review status: criteria provided, multiple submitters, no conflicts (2 of 4 stars). 3 submissions from 3 submitters: Uncertain significance (3). Last evaluated 2024-09-05.

Conditions:
Juvenile polyposis syndrome (JPS). Identifiers: Orphanet 2929, MedGen C0345893, MONDO:0017380, OMIM 174900.
Hereditary cancer-predisposing syndrome. Also called: Hereditary neoplastic syndrome; Neoplastic Syndromes, Hereditary; Tumor predisposition; Hereditary Cancer Syndrome. Identifiers: Orphanet 140162, MedGen C0027672, MeSH D009386, MONDO:0015356.

Allele frequency attached by ClinVar (database versions not stated): gnomAD exomes below 0.00001; ExAC 0.00001.
gnomAD v4.1: 1 of 1,613,426 alleles (0.000062%); no homozygotes.

Submissions (3):

Ambry Genetics
Classification: Uncertain significance for Hereditary cancer-predisposing syndrome. Last evaluated: 2024-09-05. Review status: criteria provided, single submitter. Criteria: Ambry Variant Classification Scheme 2023. Collection method: clinical testing. Allele origin: germline.
Comment: The p.E348D variant (also known as c.1044A>T), located in coding exon 8 of the BMPR1A gene, results from an A to T substitution at nucleotide position 1044. The glutamic acid at codon 348 is replaced by aspartic acid, an amino acid with highly similar properties. This amino acid position is highly conserved in available vertebrate species. In addition, this alteration is predicted to be tolerated by in silico analysis. Based on the available evidence, the clinical significance of this variant remains unclear.

Color Diagnostics, LLC DBA Color Health
Classification: Uncertain significance for Hereditary cancer-predisposing syndrome. Last evaluated: 2024-03-06. Review status: criteria provided, single submitter. Criteria: ACMG Guidelines, 2015. Collection method: clinical testing. Allele origin: germline.
Comment: This missense variant replaces glutamic acid with aspartic acid at codon 348 of the BMPR1A protein. Computational prediction suggests that this variant may not impact protein structure and function (internally defined REVEL score threshold <= 0.5, PMID: 27666373). To our knowledge, functional studies have not been reported for this variant. This variant has not been reported in individuals affected with hereditary cancer in the literature. This variant has been identified in 1/251058 chromosomes in the general population by the Genome Aggregation Database (gnomAD). The available evidence is insufficient to determine the role of this variant in disease conclusively. Therefore, this variant is classified as a Variant of Uncertain Significance.

Labcorp Genetics (formerly Invitae), Labcorp
Classification: Uncertain significance for Juvenile polyposis syndrome. Last evaluated: 2023-04-26. Review status: criteria provided, single submitter. Criteria: Invitae Variant Classification Sherloc (09022015). Collection method: clinical testing. Allele origin: germline.
Comment: In summary, the available evidence is currently insufficient to determine the role of this variant in disease. Therefore, it has been classified as a Variant of Uncertain Significance. Advanced modeling performed at Invitae incorporating data from internal and/or published experimental studies (Invitae) indicates that this missense variant is not expected to disrupt BMPR1A function. ClinVar contains an entry for this variant (Variation ID: 460471). This variant has not been reported in the literature in individuals affected with BMPR1A-related conditions. This variant is present in population databases (rs781082609, gnomAD 0.004%). This sequence change replaces glutamic acid, which is acidic and polar, with aspartic acid, which is acidic and polar, at codon 348 of the BMPR1A protein (p.Glu348Asp).